The following is an entry in ClinVar:

NM_001130987.2(DYSF):c.981T>G (p.Asp327Glu)

Gene: DYSF (dysferlin; plus strand). Cytogenetic location: 2p13.2.
Variant type: single nucleotide variant.
Coding change: c.981T>G on transcript NM_001130987.2 (MANE Select); coding-DNA position 981, T replaced by G.
Protein change: p.Asp327Glu; replaces aspartic acid 327 with glutamic acid.
Molecular consequence: missense variant.
Genome position (GRCh38, 1-based): chr2:71,517,018, T>G. VCF-style: chr2-71517018-T-G. GRCh37 (hg19) VCF-style: chr2-71744148-T-G.
Other names: p.Asp295Glu; c.888T>G, p.Asp296Glu (NM_001130455.2, NM_001130983.2, NM_001130984.2 and 1 more transcripts); c.885T>G, p.Asp295Glu (NM_001130976.2, NM_001130977.2, NM_001130978.2 and 1 more transcripts); c.978T>G, p.Asp326Glu (NM_001130979.2, NM_001130980.2, NM_001130981.2); c.981T>G, p.Asp327Glu (NM_001130982.2, NM_001130985.2); short protein forms D295E, D296E, D326E, D327E.
Identifiers: ClinVar variation 2682738 (VCV002682738.1), dbSNP rs2545427846, ClinGen allele CA347210238.

ClinVar aggregate classification (germline): Uncertain significance (1 of 4 stars; one submission).

gnomAD v4.1: 2 of 1,614,212 alleles (0.00012%); highest among the groups gnomAD compares: Non-Finnish European, 0.000085%; no homozygotes.

Submission:

Mayo Clinic Laboratories, Mayo Clinic
Classification: Uncertain significance. Last evaluated: 2022-03-17. Review status: criteria provided, single submitter. Criteria: ACMG Guidelines, 2015. Collection method: clinical testing. Allele origin: germline. Observed: 1 variant allele.
Comment: PM2